The following is an entry in ClinVar:

ClinVar aggregate classification (germline): Uncertain significance. Review status: criteria provided, multiple submitters, no conflicts (2 of 4 stars). 2 submissions from 2 submitters: Uncertain significance (2). Last evaluated 2024-11-05.

Submissions (2):

GeneDx
Classification: Uncertain significance. Last evaluated: 2024-11-05. Review status: criteria provided, single submitter. Criteria: GeneDx Variant Classification Process June 2021. Collection method: clinical testing. Allele origin: germline. Affected: yes.
Comment: Not observed at significant frequency in large population cohorts (gnomAD); In silico analysis supports that this missense variant has a deleterious effect on protein structure/function; Has not been previously published as pathogenic or benign to our knowledge

Blueprint Genetics
Classification: Uncertain significance. Last evaluated: 2021-05-11. Review status: criteria provided, single submitter. Criteria: ACMG Guidelines, 2015. Collection method: clinical testing. Allele origin: germline.

NM_018896.5(CACNA1G):c.329A>G (p.Asp110Gly)

Gene: CACNA1G (calcium voltage-gated channel subunit alpha1 G; plus strand). Cytogenetic location: 17q21.33.
Variant type: single nucleotide variant.
Coding change: c.329A>G on transcript NM_018896.5 (MANE Select); coding-DNA position 329, A replaced by G.
Protein change: p.Asp110Gly; replaces aspartic acid 110 with glycine.
Molecular consequence: missense variant. On other transcripts: non-coding transcript variant (5).
Genome position (GRCh38, 1-based): chr17:50,568,956, A>G. VCF-style: chr17-50568956-A-G. GRCh37 (hg19) VCF-style: chr17-48646317-A-G.
Other names: c.329A>G, p.Asp110Gly (NM_001256324.2, NM_001256325.2, NM_001256326.2 and 24 more transcripts); short protein forms D110G.
Identifiers: ClinVar variation 3897521 (VCV003897521.2).
Genomic context (GRCh38, chr17:50,568,956, plus strand): 5'-TCATCCTTCTCAACTGCGTGACCCTGGGCATGTTCCGGCCATGCGAGGACATCGCCTGTG[A>G]CTCCCAGCGCTGCCGGATCCTGCAGGTGAGTGTGTGTGTGTGTGTGTGTGTGTGTGTGTT-3'
Protein context (NP_061496.2, residues 100-120): MFRPCEDIAC[Asp110Gly]SQRCRILQAF